The following is an entry in ClinVar:

NM_000092.5(COL4A4):c.3386C>G (p.Pro1129Arg)

Gene: COL4A4 (collagen type IV alpha 4 chain; minus strand). Cytogenetic location: 2q36.3.
Variant type: single nucleotide variant.
Coding change: c.3386C>G on transcript NM_000092.5 (MANE Select); coding-DNA position 3386, C replaced by G.
Protein change: p.Pro1129Arg; replaces proline 1129 with arginine.
Molecular consequence: missense variant.
Genome position (GRCh38, 1-based): chr2:227,043,088, G>C on the plus strand (C>G on the coding strand, the complement: COL4A4 is on the minus strand). VCF-style: chr2-227043088-G-C. GRCh37 (hg19) VCF-style: chr2-227907804-G-C.
Other names: short protein forms P1129R.
Identifiers: ClinVar variation 2961201 (VCV002961201.3), dbSNP rs762116418, ClinGen allele CA2144549.
Genomic context (GRCh38, chr2:227,043,088, plus strand): 5'-CTGAGACACAAGAGTGCTCAGGAAGTCTCCAGATTTCCTTTCAAGGTACCTGGGCACCCT[G>C]GTGGTCCAGAGGAGCCAGGTGGCCCTGGCCTTCCAGGTGATCCTCTGGGCCCTTGAATAC-3'
Protein context (NP_000083.3, residues 1119-1139): RPGPPGSSGP[Pro1129Arg]GCPGDHGMPG

ClinVar aggregate classification (germline): Uncertain significance (1 of 4 stars; one submission).

Allele frequency attached by ClinVar (database versions not stated): gnomAD exomes below 0.00001; ExAC 0.00001.
gnomAD v4.1: 1 of 1,612,854 alleles (0.000062%); highest among the groups gnomAD compares: Admixed American, 0.0017%; no homozygotes.

Submission:

Labcorp Genetics (formerly Invitae), Labcorp
Classification: Uncertain significance. Last evaluated: 2022-11-10. Review status: criteria provided, single submitter. Criteria: Invitae Variant Classification Sherloc (09022015). Collection method: clinical testing. Allele origin: germline.
Comment: Advanced modeling of protein sequence and biophysical properties (such as structural, functional, and spatial information, amino acid conservation, physicochemical variation, residue mobility, and thermodynamic stability) performed at Invitae indicates that this missense variant is not expected to disrupt COL4A4 protein function. In summary, the available evidence is currently insufficient to determine the role of this variant in disease. Therefore, it has been classified as a Variant of Uncertain Significance. This variant has not been reported in the literature in individuals affected with COL4A4-related conditions. The frequency data for this variant in the population databases is considered unreliable, as metrics indicate poor data quality at this position in the gnomAD database. This sequence change replaces proline, which is neutral and non-polar, with arginine, which is basic and polar, at codon 1129 of the COL4A4 protein (p.Pro1129Arg).